The following is an entry in ClinVar:

ClinVar aggregate classification (germline): Uncertain significance (1 of 4 stars; one submission).

gnomAD v4.1: 2 of 1,551,350 alleles (0.00013%); highest among the groups gnomAD compares: Non-Finnish European, 0.00017%; no homozygotes.

Submission:

GeneDx
Classification: Uncertain significance. Last evaluated: 2023-04-12. Review status: criteria provided, single submitter. Criteria: GeneDx Variant Classification Process June 2021. Collection method: clinical testing. Allele origin: germline. Affected: yes.
Comment: Not observed at significant frequency in large population cohorts (gnomAD); In silico analysis supports that this missense variant does not alter protein structure/function; Has not been previously published as pathogenic or benign to our knowledge

NM_001170629.2(CHD8):c.7607C>T (p.Pro2536Leu)

Gene: CHD8 (chromodomain helicase DNA binding protein 8; minus strand). Cytogenetic location: 14q11.2.
Variant type: single nucleotide variant.
Coding change: c.7607C>T on transcript NM_001170629.2 (MANE Select); coding-DNA position 7607, C replaced by T.
Protein change: p.Pro2536Leu; replaces proline 2536 with leucine.
Molecular consequence: missense variant.
Genome position (GRCh38, 1-based): chr14:21,385,752, G>A on the plus strand (C>T on the coding strand, the complement: CHD8 is on the minus strand). VCF-style: chr14-21385752-G-A. GRCh37 (hg19) VCF-style: chr14-21853911-G-A.
Other names: c.6770C>T, p.Pro2257Leu (NM_020920.4); short protein forms P2257L, P2536L.
Identifiers: ClinVar variation 421933 (VCV000421933.3), dbSNP rs1064795453, ClinGen allele CA16619831.